The following is an entry in ClinVar:

NM_005802.5(TOPORS):c.1882C>T (p.Arg628Ter)

Gene: TOPORS (TOP1 binding arginine/serine rich protein, E3 ubiquitin ligase; minus strand). Cytogenetic location: 9p21.1.
Variant type: single nucleotide variant.
Coding change: c.1882C>T on transcript NM_005802.5 (MANE Select); coding-DNA position 1882, C replaced by T.
Protein change: p.Arg628Ter; replaces arginine 628 with a stop codon.
Molecular consequence: nonsense.
Genome position (GRCh38, 1-based): chr9:32,542,643, G>A on the plus strand (C>T on the coding strand, the complement: TOPORS is on the minus strand). VCF-style: chr9-32542643-G-A. GRCh37 (hg19) VCF-style: chr9-32542641-G-A.
Other names: c.1687C>T, p.Arg563Ter (NM_001195622.2); short protein forms R563*, R628*.
Identifiers: ClinVar variation 1071191 (VCV001071191.9), dbSNP rs2118966836, ClinGen allele CA373167668.

ClinVar aggregate classification (germline): Pathogenic (1 of 4 stars; one submission).

gnomAD v4.1: 1 of 1,613,868 alleles (0.000062%); no homozygotes.

Submission:

Labcorp Genetics (formerly Invitae), Labcorp
Classification: Pathogenic. Last evaluated: 2018-01-12. Review status: criteria provided, single submitter. Criteria: Invitae Variant Classification Sherloc (09022015). Collection method: clinical testing. Allele origin: germline.
Comment: For these reasons, this variant has been classified as Pathogenic. A different truncation (p.Arg847*) that lies downstream of this variant has been determined to be pathogenic (PMID: 22581970, 28453362, 26155838). This suggests that deletion of this region of the TOPORS protein is causative of disease. This variant has not been reported in the literature in individuals with TOPORS-related disease. This variant is not present in population databases (ExAC no frequency). This sequence change results in a premature translational stop signal in the TOPORS gene (p.Arg628*). While this is not anticipated to result in nonsense mediated decay, it is expected to delete the last 418 amino acids of the TOPORS protein.

Literature cited by the submitters: PubMed 22581970; PubMed 28453362; PubMed 26155838.